The following is an entry in ClinVar:

ClinVar aggregate classification (germline): Uncertain significance (1 of 4 stars; one submission).

Submission:

GeneDx
Classification: Uncertain significance. Last evaluated: 2022-10-09. Review status: criteria provided, single submitter. Criteria: GeneDx Variant Classification Process June 2021. Collection method: clinical testing. Allele origin: germline. Affected: yes.
Comment: Not observed at significant frequency in large population cohorts (gnomAD); In silico analysis supports that this missense variant has a deleterious effect on protein structure/function; Has not been previously published as pathogenic or benign to our knowledge

NM_000334.4(SCN4A):c.2371C>T (p.Leu791Phe)

Genes: GH-LCR (growth hormone locus control region; plus strand), SCN4A (sodium voltage-gated channel alpha subunit 4; minus strand). Cytogenetic location: 17q23.3.
Variant type: single nucleotide variant.
Coding change: c.2371C>T on transcript NM_000334.4 (MANE Select); coding-DNA position 2371, C replaced by T.
Protein change: p.Leu791Phe; replaces leucine 791 with phenylalanine.
Molecular consequence: missense variant.
Genome position (GRCh38, 1-based): chr17:63,957,167, G>A on the plus strand (C>T on the coding strand, the complement: SCN4A is on the minus strand). VCF-style: chr17-63957167-G-A. GRCh37 (hg19) VCF-style: chr17-62034527-G-A.
Other names: short protein forms L791F.
Identifiers: ClinVar variation 2497922 (VCV002497922.1), dbSNP rs2509305064, ClinGen allele CA400628785.
Genomic context (GRCh38, chr17:63,957,167, plus strand): 5'-ACATCTTGTACGCTTCCCGGGTGAGGGCAGGGGCCACCCAGCCAGCCTCACTCACCACAA[G>A]ATTGCCGATGACCATGACCATGAGGAAGACGGTGAGGCACATGGCTTGGCCGGCCACCTC-3'
Protein context (NP_000325.4, residues 781-801): VFLMVMVIGN[Leu791Phe]VVLNLFLALL